The following is an entry in ClinVar:

NM_001127208.3(TET2):c.4512C>T (p.Asn1504=)

Genes: TET2 (tet methylcytosine dioxygenase 2; plus strand), TET2-AS1 (TET2 antisense RNA 1; minus strand). Cytogenetic location: 4q24.
Variant type: single nucleotide variant.
Coding change: c.4512C>T on transcript NM_001127208.3 (MANE Select); coding-DNA position 4512, C replaced by T.
Protein change: p.Asn1504=; no amino-acid change (asparagine 1504 retained).
Molecular consequence: synonymous variant.
Genome position (GRCh38, 1-based): chr4:105,272,893, C>T. VCF-style: chr4-105272893-C-T. GRCh37 (hg19) VCF-style: chr4-106194050-C-T.
Other names: p.Asn1504=.
Identifiers: ClinVar variation 2713002 (VCV002713002.9), dbSNP rs376834171, ClinGen allele CA3032201.
Genomic context (GRCh38, chr4:105,272,893, plus strand): 5'-CAGCTCAAATAAAAATGAAAAGGAAAAGTCAGCCCCATCACGTACAAAACAAACTGAAAA[C>T]GCAAGCCAGGCTAAACAGTTGGCAGGTAAATTTAATGTAAAGCATTTGTAGATAAATGTG-3'
Protein context (NP_001120680.1, residues 1494-1514): SAPSRTKQTE[Asn1504=]ASQAKQLAEL

ClinVar aggregate classification (germline): Likely benign. Review status: criteria provided, multiple submitters, no conflicts (2 of 4 stars). 5 submissions from 5 submitters: Likely benign (4). 1 of the submissions does not count toward it. Last evaluated 2026-09-01.

Conditions:
TET2-related disorder. Also called: TET2-related condition.

Allele frequency attached by ClinVar (database versions not stated): gnomAD 0.00005; ExAC 0.00006; gnomAD exomes 0.00011; ESP Exome Variant Server 0.00022.
gnomAD v4.1: 170 of 1,542,690 alleles (0.011%); highest among the groups gnomAD compares: Non-Finnish European, 0.013%; no homozygotes.

Submissions (5):

CeGaT Center for Human Genetics Tuebingen
Classification: Likely benign. Last evaluated: 2026-09-01. Review status: criteria provided, single submitter. Criteria: CeGaT Center For Human Genetics Tuebingen Variant Classification Criteria Version 2. Collection method: clinical testing. Allele origin: germline. Affected: yes. Observed: 1 variant allele.
Comment: TET2: BP4, BP7

Labcorp Genetics (formerly Invitae), Labcorp
Classification: Likely benign. Last evaluated: 2026-01-01. Review status: criteria provided, single submitter. Criteria: Invitae Variant Classification Sherloc (09022015). Collection method: clinical testing. Allele origin: germline.

Mayo Clinic Laboratories, Mayo Clinic
Classification: Likely benign. Last evaluated: 2025-05-12. Review status: criteria provided, single submitter. Criteria: ACMG Guidelines, 2015. Collection method: clinical testing. Allele origin: germline. Observed: 1 variant allele.
Comment: BP4, BP7

ARUP Laboratories, Molecular Genetics and Genomics, ARUP Laboratories
Classification: Likely benign. Last evaluated: 2025-04-16. Review status: criteria provided, single submitter. Criteria: ARUP Molecular Germline Variant Investigation Process 2024. Collection method: clinical testing. Allele origin: germline.

PreventionGenetics, part of Exact Sciences
Classification: Likely benign for TET2-related condition. Last evaluated: 2019-07-01. Review status: no assertion criteria provided. Collection method: clinical testing. Allele origin: germline. Not counted in ClinVar's aggregate classification.
Comment: This variant is classified as likely benign based on ACMG/AMP sequence variant interpretation guidelines (Richards et al. 2015 PMID: 25741868, with internal and published modifications).